The following is an entry in ClinVar:

NM_023036.6(DNAI2):c.1347+7C>T

Gene: DNAI2 (dynein axonemal intermediate chain 2; plus strand). Cytogenetic location: 17q25.1.
Variant type: single nucleotide variant.
Coding change: c.1347+7C>T on transcript NM_023036.6 (MANE Select); 7 bases into the intron after coding-DNA position 1347, C replaced by T.
Molecular consequence: intron variant.
Genome position (GRCh38, 1-based): chr17:74,309,395, C>T. VCF-style: chr17-74309395-C-T. GRCh37 (hg19) VCF-style: chr17-72305534-C-T.
Other names: p.?; c.1347+7C>T (NM_001353167.2, NM_001172810.3).
Identifiers: ClinVar variation 163169 (VCV000163169.28), dbSNP rs2290955, ClinGen allele CA175828.
Genomic context (GRCh38, chr17:74,309,395, plus strand): 5'-CTGGATATCTGGGACTTCATGTTCGAGCAGTGCGATCCCACCCTCAGCTTGAAGGTCACG[C>T]GCATGTCCCTCCTTGTGCATCCAGGTCCTCAGGGAGCCAGGTCCCGGCGTGGGTGTGAGT-3'

ClinVar aggregate classification (germline): Benign/Likely benign. Review status: criteria provided, multiple submitters, no conflicts (2 of 4 stars). 11 submissions from 11 submitters: Benign (7); Likely benign (1). 3 of the submissions do not count toward it. Last evaluated 2026-02-04.

Conditions:
Primary ciliary dyskinesia. Also called: Ciliary dyskinesia. Identifiers: Orphanet 244, MedGen C0008780, MONDO:0016575, HP:0012265.
Primary ciliary dyskinesia 9. Also called: CILIARY DYSKINESIA, PRIMARY, 9, WITH OR WITHOUT SITUS INVERSUS. Identifiers: Orphanet 244, MedGen C2676235, MONDO:0012906, OMIM 612444.

Allele frequency attached by ClinVar (database versions not stated): 1000 Genomes Project 30x 0.34510; 1000 Genomes Project 0.35543; TOPMed 0.44116; gnomAD 0.46912 and 0.47093; ESP Exome Variant Server 0.49316; gnomAD exomes 0.52292 and 0.61162; ExAC 0.52741.
gnomAD v4.1: 962,185 of 1,613,576 alleles (60%); highest among the groups gnomAD compares: Non-Finnish European, 65%; 300,890 homozygotes.

Submissions (11):

Labcorp Genetics (formerly Invitae), Labcorp
Classification: Benign for Primary ciliary dyskinesia. Last evaluated: 2026-02-04. Review status: criteria provided, single submitter. Criteria: Invitae Variant Classification Sherloc (09022015). Collection method: clinical testing. Allele origin: germline.

Blueprint Genetics
Classification: Likely benign. Last evaluated: 2024-11-28. Review status: criteria provided, single submitter. Criteria: ACMG Guidelines, 2015. Collection method: clinical testing. Allele origin: germline.

Mayo Clinic Laboratories, Mayo Clinic
Classification: Benign. Last evaluated: 2022-04-26. Review status: criteria provided, single submitter. Criteria: ACMG Guidelines, 2015. Collection method: clinical testing. Allele origin: germline. Observed: 167 variant alleles.

Genome-Nilou Lab
Classification: Benign for Primary ciliary dyskinesia 9. Last evaluated: 2021-07-10. Review status: criteria provided, single submitter. Criteria: ACMG Guidelines, 2015. Collection method: clinical testing. Allele origin: germline. Affected: no.

Illumina Laboratory Services, Illumina
Classification: Benign for Primary ciliary dyskinesia 9. Last evaluated: 2018-01-13. Review status: criteria provided, single submitter. Criteria: ICSL Variant Classification Criteria 13 December 2019. Collection method: clinical testing. Allele origin: germline.
Comment: This variant was observed in the ICSL laboratory as part of a predisposition screen in an ostensibly healthy population. It had not been previously curated by ICSL or reported in the Human Gene Mutation Database (HGMD: prior to June 1st, 2018), and was therefore a candidate for classification through an automated scoring system. Utilizing variant allele frequency, disease prevalence and penetrance estimates, and inheritance mode, an automated score was calculated to assess if this variant is too frequent to cause the disease. Based on the score and internal cut-off values, a variant classified as benign is not then subjected to further curation. The score for this variant resulted in a classification of benign for this disease.

Laboratory for Molecular Medicine, Mass General Brigham Personalized Medicine
Classification: Benign. Last evaluated: 2013-02-21. Review status: criteria provided, single submitter. Criteria: LMM Criteria. Collection method: clinical testing. Allele origin: germline. Observed: 90 variant alleles.
Comment: 1347+7C>T in intron 10 of DNAI2: This variant is not expected to have clinical s ignificance because it is not located within the conserved splice consensus sequ ence. It has been identified in 35.6% (3065/8600) of European American chromosom es from a broad population by the NHLBI Exome Sequencing Project (.; dbSNP rs2290955).

Breakthrough Genomics
Classification: Benign. Review status: criteria provided, single submitter. Criteria: ACMG Guidelines, 2015. Collection method: not provided. Allele origin: germline. Inheritance: Autosomal recessive inheritance. Affected: yes.

PreventionGenetics, part of Exact Sciences
Classification: Benign. Review status: criteria provided, single submitter. Criteria: ACMG Guidelines, 2015. Collection method: clinical testing. Allele origin: germline.

Natera, Inc.
Classification: Benign for Primary ciliary dyskinesia. Last evaluated: 2020-09-16. Review status: no assertion criteria provided. Collection method: clinical testing. Allele origin: germline. Not counted in ClinVar's aggregate classification.

Clinical Genetics DNA and cytogenetics Diagnostics Lab, Erasmus MC, Erasmus Medical Center
Classification: Benign. Review status: no assertion criteria provided. Collection method: clinical testing. Allele origin: germline. Affected: yes. Study: VKGL Data-share Consensus. Not counted in ClinVar's aggregate classification.

Diagnostic Laboratory, Department of Genetics, University Medical Center Groningen
Classification: Benign for Primary ciliary dyskinesia 9. Review status: no assertion criteria provided. Collection method: clinical testing. Allele origin: germline. Affected: yes. Study: VKGL Data-share Consensus. Not counted in ClinVar's aggregate classification.